The following is an entry in ClinVar:

NM_001099922.3(ALG13):c.2476T>A (p.Ser826Thr)

Gene: ALG13 (ALG13 UDP-N-acetylglucosaminyltransferase subunit; plus strand). Cytogenetic location: Xq23.
Variant type: single nucleotide variant.
Coding change: c.2476T>A on transcript NM_001099922.3 (MANE Select); coding-DNA position 2476, T replaced by A.
Protein change: p.Ser826Thr; replaces serine 826 with threonine.
Molecular consequence: missense variant. On other transcripts: non-coding transcript variant (1).
Genome position (GRCh38, 1-based): chrX:111,735,069, T>A. VCF-style: chrX-111735069-T-A. GRCh37 (hg19) VCF-style: chrX-110978297-T-A.
Other names: c.2164T>A, p.Ser722Thr (NM_001257230.2, NM_001257234.2, NM_001257237.2); c.2242T>A, p.Ser748Thr (NM_001257231.2); c.2476T>A, p.Ser826Thr (NM_001324292.2); c.1990T>A, p.Ser664Thr (NM_001324293.1); short protein forms S748T, S826T, S664T, S722T.
Identifiers: ClinVar variation 2718756 (VCV002718756.5), dbSNP rs2526111778, ClinGen allele CA414254158.
Genomic context (GRCh38, chrX:111,735,069, plus strand): 5'-GTGTTGTTTGTTTTTTTATTTAACTATATTTTTGTATTAAAGTCTCTTCAGGACAGAAAG[T>A]CATGTTCTATGTCTCCTCAGGACACAGTTACCTCATACAACTACCCCCAGAAGGTAATCC-3'
Protein context (NP_001093392.1, residues 816-836): TANLSLQDRK[Ser826Thr]CSMSPQDTVT

ClinVar aggregate classification (germline): Uncertain significance. Review status: criteria provided, multiple submitters, no conflicts (2 of 4 stars). 2 submissions from 2 submitters: Uncertain significance (2). Last evaluated 2026-02-07.

Conditions:
Developmental and epileptic encephalopathy, 36 (DEE36). Also called: ALG13-CDG; Congenital disorder of glycosylation, type Is; Epileptic encephalopathy, early infantile, 36. Identifiers: Orphanet 324422, MedGen C4317295, MONDO:0010472, OMIM 300884.

Allele frequency attached by ClinVar (database versions not stated): gnomAD exomes below 0.00001.
gnomAD v4.1: 1 of 1,186,982 alleles (0.000084%); highest among the groups gnomAD compares: African/African-American, 0.0017%; no homozygotes.

Submissions (2):

GeneDx
Classification: Uncertain significance. Last evaluated: 2026-02-07. Review status: criteria provided, single submitter. Criteria: GeneDx Variant Classification Process June 2021. Collection method: clinical testing. Allele origin: germline.
Comment: Not observed at significant frequency in large population cohorts (gnomAD); In silico analysis suggests that this missense variant does not alter protein structure/function; Has not been previously published as pathogenic or benign to our knowledge

Labcorp Genetics (formerly Invitae), Labcorp
Classification: Uncertain significance for Developmental and epileptic encephalopathy, 36. Last evaluated: 2023-06-18. Review status: criteria provided, single submitter. Criteria: Invitae Variant Classification Sherloc (09022015). Collection method: clinical testing. Allele origin: germline.
Comment: In summary, the available evidence is currently insufficient to determine the role of this variant in disease. Therefore, it has been classified as a Variant of Uncertain Significance. Advanced modeling of protein sequence and biophysical properties (such as structural, functional, and spatial information, amino acid conservation, physicochemical variation, residue mobility, and thermodynamic stability) performed at Invitae indicates that this missense variant is not expected to disrupt ALG13 protein function. This variant has not been reported in the literature in individuals affected with ALG13-related conditions. This variant is not present in population databases (gnomAD no frequency). This sequence change replaces serine, which is neutral and polar, with threonine, which is neutral and polar, at codon 826 of the ALG13 protein (p.Ser826Thr).